The following is an entry in ClinVar:

NM_005869.4(CWC27):c.1299G>A (p.Val433=)

Gene: CWC27 (CWC27 spliceosome associated cyclophilin; plus strand). Cytogenetic location: 5q12.3.
Variant type: single nucleotide variant.
Coding change: c.1299G>A on transcript NM_005869.4 (MANE Select); coding-DNA position 1299, G replaced by A.
Protein change: p.Val433=; no amino-acid change (valine 433 retained).
Molecular consequence: synonymous variant. On other transcripts: 3 prime UTR variant (1).
Genome position (GRCh38, 1-based): chr5:65,018,201, G>A. VCF-style: chr5-65018201-G-A. GRCh37 (hg19) VCF-style: chr5-64314028-G-A.
Other names: c.*19G>A (NM_001297644.1); c.1299G>A (NM_005869.3).
Identifiers: ClinVar variation 2983882 (VCV002983882.4), dbSNP rs751118155, ClinGen allele CA3282289.
Genomic context (GRCh38, chr5:65,018,201, plus strand): 5'-ATCTCTCTCCCTATTTAGGATGTCACATGTACTTCAGTTTGAGGATAAAAGCAGAAAAGT[G>A]AAAGATGCAAGCATGCAAGACTCAGATACATTTGAAATCTATGATCCTCGGAATCCAGTG-3'
Protein context (NP_005860.2, residues 423-443): VLQFEDKSRK[Val433=]KDASMQDSDT

ClinVar aggregate classification (germline): Likely benign. Review status: criteria provided, single submitter (1 of 4 stars). 2 submissions from 2 submitters: Likely benign (1). 1 of the submissions does not count toward it. Last evaluated 2025-10-11.

Conditions:
CWC27-related disorder. Also called: CWC27-related condition.

Allele frequency attached by ClinVar (database versions not stated): ExAC 0.00002.

Submissions (2):

Labcorp Genetics (formerly Invitae), Labcorp
Classification: Likely benign. Last evaluated: 2025-10-11. Review status: criteria provided, single submitter. Criteria: Invitae Variant Classification Sherloc (09022015). Collection method: clinical testing. Allele origin: germline.

PreventionGenetics, part of Exact Sciences
Classification: Likely benign for CWC27-related condition. Last evaluated: 2024-09-07. Review status: no assertion criteria provided. Collection method: clinical testing. Allele origin: germline. Not counted in ClinVar's aggregate classification.
Comment: This variant is classified as likely benign based on ACMG/AMP sequence variant interpretation guidelines (Richards et al. 2015 PMID: 25741868, with internal and published modifications).